The following is an entry in ClinVar:

ClinVar aggregate classification (germline): Uncertain significance (1 of 4 stars; one submission).

Conditions:
Retinal dystrophy. Also called: Inherited retinal dystrophy. Identifiers: Orphanet 71862, MedGen C0854723, MeSH D058499, MONDO:0019118, HP:0000556.

gnomAD v4.1: 3 of 1,591,842 alleles (0.00019%); highest among the groups gnomAD compares: Non-Finnish European, 0.00026%; no homozygotes.

Submission:

Ocular Genomics Institute, Massachusetts Eye and Ear
Classification: Uncertain significance for Retinal dystrophy. Last evaluated: 2025-06-06. Review status: criteria provided, single submitter. Criteria: ACMG Guidelines, 2015. Collection method: research. Allele origin: germline. Affected: yes. Observed: 2 variant alleles.
Comment: The NM_144643.4 c.671T>G, p.(Leu224Arg) is a missense variant in SCLT1. This variant was found for the first time in two siblings with non-syndromic retinal degeneration. This variant is rare in GnomADv4 (PM2), it cosegregates with disease in multiple affected family members in a gene known to cause disease (PP1).

Literature cited by the submitters: PubMed 40470183.

NM_144643.4(SCLT1):c.671T>G (p.Leu224Arg)

Gene: SCLT1 (sodium channel and clathrin linker 1; minus strand). Cytogenetic location: 4q28.2.
Variant type: single nucleotide variant.
Coding change: c.671T>G on transcript NM_144643.4 (MANE Select); coding-DNA position 671, T replaced by G.
Protein change: p.Leu224Arg; replaces leucine 224 with arginine.
Molecular consequence: missense variant.
Genome position (GRCh38, 1-based): chr4:128,992,182, A>C on the plus strand (T>G on the coding strand, the complement: SCLT1 is on the minus strand). VCF-style: chr4-128992182-A-C. GRCh37 (hg19) VCF-style: chr4-129913337-A-C.
Other names: c.671T>G, p.Leu224Arg (NM_001410807.1); short protein forms L224R.
Identifiers: ClinVar variation 4526651 (VCV004526651.1).